The following is an entry in ClinVar:

NM_012338.4(TSPAN12):c.*39C>T

Gene: TSPAN12 (tetraspanin 12; minus strand). Cytogenetic location: 7q31.31.
Variant type: single nucleotide variant.
Coding change: c.*39C>T on transcript NM_012338.4 (MANE Select); 39 bases downstream of the stop codon, C replaced by T.
Molecular consequence: 3 prime UTR variant.
Genome position (GRCh38, 1-based): chr7:120,788,553, G>A on the plus strand (C>T on the coding strand, the complement: TSPAN12 is on the minus strand). VCF-style: chr7-120788553-G-A. GRCh37 (hg19) VCF-style: chr7-120428607-G-A.
Identifiers: ClinVar variation 358760 (VCV000358760.10), dbSNP rs41622, ClinGen allele CA4453774.

ClinVar aggregate classification (germline): Benign. Review status: criteria provided, multiple submitters, no conflicts (2 of 4 stars). 4 submissions from 4 submitters: Benign (4). Last evaluated 2021-09-10.

Conditions:
Exudative vitreoretinopathy 5 (EVR5). Identifiers: Orphanet 891, MedGen C2750079, MONDO:0013218, OMIM 613310.

Allele frequency attached by ClinVar (database versions not stated): gnomAD 0.76971 and 0.77758; gnomAD exomes 0.77148 and 0.80333; ESP Exome Variant Server 0.77176; TOPMed 0.79061; ExAC 0.80483; 1000 Genomes Project 0.84625; 1000 Genomes Project 30x 0.84931.
gnomAD v4.1: 1,246,206 of 1,612,734 alleles (77%); highest among the groups gnomAD compares: East Asian, 97%; 484,344 homozygotes.

Submissions (4):

Genome-Nilou Lab
Classification: Benign for Exudative vitreoretinopathy 5. Last evaluated: 2021-09-10. Review status: criteria provided, single submitter. Criteria: ACMG Guidelines, 2015. Collection method: clinical testing. Allele origin: germline. Affected: no.

Illumina Laboratory Services, Illumina
Classification: Benign for Exudative vitreoretinopathy 5. Last evaluated: 2018-01-13. Review status: criteria provided, single submitter. Criteria: ICSL Variant Classification Criteria 13 December 2019. Collection method: clinical testing. Allele origin: germline.
Comment: This variant was observed in the ICSL laboratory as part of a predisposition screen in an ostensibly healthy population. It had not been previously curated by ICSL or reported in the Human Gene Mutation Database (HGMD: prior to June 1st, 2018), and was therefore a candidate for classification through an automated scoring system. Utilizing variant allele frequency, disease prevalence and penetrance estimates, and inheritance mode, an automated score was calculated to assess if this variant is too frequent to cause the disease. Based on the score and internal cut-off values, a variant classified as benign is not then subjected to further curation. The score for this variant resulted in a classification of benign for this disease.

GeneDx
Classification: Benign. Last evaluated: 2015-03-03. Review status: criteria provided, single submitter. Criteria: GeneDx Variant Classification Process June 2021. Collection method: clinical testing. Allele origin: germline. Affected: yes.

Breakthrough Genomics
Classification: Benign. Review status: criteria provided, single submitter. Criteria: ACMG Guidelines, 2015. Collection method: not provided. Allele origin: germline. Inheritance: Autosomal dominant inheritance. Affected: yes.